The following is an entry in ClinVar:

ClinVar aggregate classification (germline): Uncertain significance (1 of 4 stars; one submission).

Allele frequency attached by ClinVar (database versions not stated): TOPMed below 0.00001.

Submission:

Labcorp Genetics (formerly Invitae), Labcorp
Classification: Uncertain significance. Last evaluated: 2022-05-21. Review status: criteria provided, single submitter. Criteria: Invitae Variant Classification Sherloc (09022015). Collection method: clinical testing. Allele origin: germline.
Comment: Algorithms developed to predict the effect of missense changes on protein structure and function are either unavailable or do not agree on the potential impact of this missense change (SIFT: "Not Available"; PolyPhen-2: "Probably Damaging"; Align-GVGD: "Not Available"). This sequence change replaces cysteine, which is neutral and slightly polar, with serine, which is neutral and polar, at codon 139 of the ADD3 protein (p.Cys139Ser). This variant is not present in population databases (gnomAD no frequency). This variant has not been reported in the literature in individuals affected with ADD3-related conditions. In summary, the available evidence is currently insufficient to determine the role of this variant in disease. Therefore, it has been classified as a Variant of Uncertain Significance.

NM_016824.5(ADD3):c.416G>C (p.Cys139Ser)

Gene: ADD3 (adducin 3; plus strand). Cytogenetic location: 10q25.2.
Variant type: single nucleotide variant.
Coding change: c.416G>C on transcript NM_016824.5 (MANE Select); coding-DNA position 416, G replaced by C.
Protein change: p.Cys139Ser; replaces cysteine 139 with serine.
Molecular consequence: missense variant.
Genome position (GRCh38, 1-based): chr10:110,116,340, G>C. VCF-style: chr10-110116340-G-C. GRCh37 (hg19) VCF-style: chr10-111876098-G-C.
Other names: c.416G>C, p.Cys139Ser (NM_001121.4, NM_001320591.2, NM_001320592.2 and 2 more transcripts); c.182G>C, p.Cys61Ser (NM_001320594.2); short protein forms C139S, C61S.
Identifiers: ClinVar variation 1993812 (VCV001993812.4), dbSNP rs1850725824, ClinGen allele CA378366548.
Genomic context (GRCh38, chr10:110,116,340, plus strand): 5'-TCAATGACCTTCCTGGTGCAGATACATCCTCATATGTGAAGGGAGAAAAACTTACTCGCT[G>C]TAAACTTGCCAGCCTGTACAGACTTGTAGACTTGTTTGGATGGGCACACCTGGCAAATAC-3'
Protein context (NP_058432.1, residues 129-149): SYVKGEKLTR[Cys139Ser]KLASLYRLVD